The following is an entry in ClinVar:

ClinVar aggregate classification (germline): Uncertain significance. Review status: criteria provided, multiple submitters, no conflicts (2 of 4 stars). 2 submissions from 2 submitters: Uncertain significance (2). Last evaluated 2025-12-30.

Conditions:
Inborn genetic diseases. Identifiers: MedGen C0950123, MeSH D030342.

Allele frequency attached by ClinVar (database versions not stated): gnomAD exomes below 0.00001 and 0.00001; TOPMed below 0.00001.
gnomAD v4.1: 2 of 1,210,329 alleles (0.00017%); highest among the groups gnomAD compares: Admixed American, 0.0044%; no homozygotes.

Submissions (2):

Ambry Genetics
Classification: Uncertain significance for Inborn genetic diseases. Last evaluated: 2025-12-30. Review status: criteria provided, single submitter. Criteria: Ambry Variant Classification Scheme 2023. Collection method: clinical testing. Allele origin: germline.

Labcorp Genetics (formerly Invitae), Labcorp
Classification: Uncertain significance. Last evaluated: 2022-02-05. Review status: criteria provided, single submitter. Criteria: Invitae Variant Classification Sherloc (09022015). Collection method: clinical testing. Allele origin: germline.
Comment: This variant has not been reported in the literature in individuals affected with CACNA1F-related conditions. This variant is present in population databases (no rsID available, gnomAD 0.004%). This sequence change replaces methionine, which is neutral and non-polar, with valine, which is neutral and non-polar, at codon 732 of the CACNA1F protein (p.Met732Val). ClinVar contains an entry for this variant (Variation ID: 1043256). In summary, the available evidence is currently insufficient to determine the role of this variant in disease. Therefore, it has been classified as a Variant of Uncertain Significance. Algorithms developed to predict the effect of missense changes on protein structure and function (SIFT, PolyPhen-2, Align-GVGD) all suggest that this variant is likely to be tolerated.

NM_001256789.3(CACNA1F):c.2161A>G (p.Met721Val)

Gene: CACNA1F (calcium voltage-gated channel subunit alpha1 F; minus strand). Cytogenetic location: Xp11.23.
Variant type: single nucleotide variant.
Coding change: c.2161A>G on transcript NM_001256789.3 (MANE Select); coding-DNA position 2161, A replaced by G.
Protein change: p.Met721Val; replaces methionine 721 with valine.
Molecular consequence: missense variant.
Genome position (GRCh38, 1-based): chrX:49,222,763, T>C on the plus strand (A>G on the coding strand, the complement: CACNA1F is on the minus strand). VCF-style: chrX-49222763-T-C. GRCh37 (hg19) VCF-style: chrX-49079222-T-C.
Other names: c.2194A>G, p.Met732Val (NM_005183.4); c.1999A>G, p.Met667Val (NM_001256790.3); c.2194A>G (NM_005183.2); short protein forms M732V, M721V, M667V.
Identifiers: ClinVar variation 1043256 (VCV001043256.9), dbSNP rs1557108985, ClinGen allele CA412910570.